The following is an entry in ClinVar:

NM_000535.7(PMS2):c.2039G>T (p.Gly680Val)

Gene: PMS2 (PMS1 homolog 2, mismatch repair system component; minus strand). Cytogenetic location: 7p22.1.
Variant type: single nucleotide variant.
Coding change: c.2039G>T on transcript NM_000535.7 (MANE Select); coding-DNA position 2039, G replaced by T.
Protein change: p.Gly680Val; replaces glycine 680 with valine.
Molecular consequence: missense variant. On other transcripts: non-coding transcript variant (1), intron variant (4).
Genome position (GRCh38, 1-based): chr7:5,982,959, C>A on the plus strand (G>T on the coding strand, the complement: PMS2 is on the minus strand). VCF-style: chr7-5982959-C-A. GRCh37 (hg19) VCF-style: chr7-6022590-C-A.
Other names: c.2039G>T, p.Gly680Val (NM_001406871.1, NM_001322014.2); c.1841G>T, p.Gly614Val (NM_001406873.1); c.1871G>T, p.Gly624Val (NM_001406874.1); c.1730G>T, p.Gly577Val (NM_001406875.1, NM_001406877.1, NM_001406878.1 and 5 more transcripts); c.1721G>T, p.Gly574Val (NM_001406876.1, NM_001406883.1, NM_001322007.2 and 1 more transcripts); c.1715G>T, p.Gly572Val (NM_001406884.1); c.1703G>T, p.Gly568Val (NM_001406885.1); c.1673G>T, p.Gly558Val (NM_001406886.1); and 16 more; short protein forms G279V, G369V, G423V, G489V, G493V, G509V, G522V, G525V.
Identifiers: ClinVar variation 3231996 (VCV003231996.1), dbSNP rs2128704364, ClinGen allele CA366738127.

ClinVar aggregate classification (germline): Uncertain significance (1 of 4 stars; one submission).

Conditions:
Hereditary cancer-predisposing syndrome. Also called: Neoplastic Syndromes, Hereditary; Tumor predisposition; Hereditary neoplastic syndrome; Hereditary Cancer Syndrome. Identifiers: Orphanet 140162, MedGen C0027672, MeSH D009386, MONDO:0015356.

Submission:

Ambry Genetics
Classification: Uncertain significance for Hereditary cancer-predisposing syndrome. Last evaluated: 2023-12-11. Review status: criteria provided, single submitter. Criteria: Ambry Variant Classification Scheme 2023. Collection method: clinical testing. Allele origin: germline.
Comment: The p.G680V variant (also known as c.2039G>T), located in coding exon 12 of the PMS2 gene, results from a G to T substitution at nucleotide position 2039. The glycine at codon 680 is replaced by valine, an amino acid with dissimilar properties. This amino acid position is conserved. In addition, this alteration is predicted to be deleterious by in silico analysis. Since supporting evidence is limited at this time, the clinical significance of this alteration remains unclear.